The following is an entry in ClinVar:

ClinVar aggregate classification (germline): Uncertain significance. Review status: criteria provided, multiple submitters, no conflicts (2 of 4 stars). 3 submissions from 3 submitters: Uncertain significance (3). Last evaluated 2025-05-05.

Conditions:
Plasminogen deficiency, type I. Also called: Hypoplasminogenemia; Type 1 plasminogen deficiency. Identifiers: Orphanet 722, MedGen C1968804, MONDO:0009009, OMIM 217090.
Angioedema, hereditary, 4. Identifiers: MedGen C5543503, MONDO:0025712, OMIM 619360.
Inborn genetic diseases. Identifiers: MedGen C0950123, MeSH D030342.

Allele frequency attached by ClinVar (database versions not stated): TOPMed 0.00001.
gnomAD v4.1: 30 of 1,590,938 alleles (0.0019%); highest among the groups gnomAD compares: Non-Finnish European, 0.0024%; no homozygotes.

Submissions (3):

Labcorp Genetics (formerly Invitae), Labcorp
Classification: Uncertain significance. Last evaluated: 2025-05-05. Review status: criteria provided, single submitter. Criteria: Invitae Variant Classification Sherloc (09022015). Collection method: clinical testing. Allele origin: germline.
Comment: This sequence change replaces proline, which is neutral and non-polar, with arginine, which is basic and polar, at codon 225 of the PLG protein (p.Pro225Arg). This variant is present in population databases (rs749693342, gnomAD 0.002%). This variant has not been reported in the literature in individuals affected with PLG-related conditions. ClinVar contains an entry for this variant (Variation ID: 3215221). Invitae Evidence Modeling of protein sequence and biophysical properties (such as structural, functional, and spatial information, amino acid conservation, physicochemical variation, residue mobility, and thermodynamic stability) indicates that this missense variant is not expected to disrupt PLG protein function with a negative predictive value of 80%. In summary, the available evidence is currently insufficient to determine the role of this variant in disease. Therefore, it has been classified as a Variant of Uncertain Significance.

Fulgent Genetics
Classification: Uncertain significance for Plasminogen deficiency, type I; Angioedema, hereditary, 4. Last evaluated: 2024-02-13. Review status: criteria provided, single submitter. Criteria: ACMG Guidelines, 2015. Collection method: clinical testing. Allele origin: germline.

Ambry Genetics
Classification: Uncertain significance for Inborn genetic diseases. Last evaluated: 2024-01-31. Review status: criteria provided, single submitter. Criteria: Ambry Variant Classification Scheme 2023. Collection method: clinical testing. Allele origin: germline.

NM_000301.5(PLG):c.674C>G (p.Pro225Arg)

Gene: PLG (plasminogen; plus strand). Cytogenetic location: 6q26.
Variant type: single nucleotide variant.
Coding change: c.674C>G on transcript NM_000301.5 (MANE Select); coding-DNA position 674, C replaced by G.
Protein change: p.Pro225Arg; replaces proline 225 with arginine.
Molecular consequence: missense variant.
Genome position (GRCh38, 1-based): chr6:160,716,650, C>G. VCF-style: chr6-160716650-C-G. GRCh37 (hg19) VCF-style: chr6-161137682-C-G.
Other names: short protein forms P225R.
Identifiers: ClinVar variation 3215221 (VCV003215221.3), dbSNP rs749693342, ClinGen allele CA151218147.